The following is an entry in ClinVar:

ClinVar aggregate classification (germline): Uncertain significance. Review status: criteria provided, multiple submitters, no conflicts (2 of 4 stars). 2 submissions from 2 submitters: Uncertain significance (2). Last evaluated 2022-04-22.

Conditions:
Inborn genetic diseases. Identifiers: MedGen C0950123, MeSH D030342.

Allele frequency attached by ClinVar (database versions not stated): ExAC 0.00001; gnomAD 0.00001; gnomAD exomes 0.00001.
gnomAD v4.1: 23 of 1,613,968 alleles (0.0014%); highest among the groups gnomAD compares: Middle Eastern, 0.082%; no homozygotes.

Submissions (2):

Labcorp Genetics (formerly Invitae), Labcorp
Classification: Uncertain significance. Last evaluated: 2022-04-22. Review status: criteria provided, single submitter. Criteria: Invitae Variant Classification Sherloc (09022015). Collection method: clinical testing. Allele origin: germline.
Comment: This sequence change replaces tyrosine, which is neutral and polar, with cysteine, which is neutral and slightly polar, at codon 169 of the COX15 protein (p.Tyr169Cys). This variant is present in population databases (rs201881501, gnomAD 0.002%). This variant has not been reported in the literature in individuals affected with COX15-related conditions. Algorithms developed to predict the effect of missense changes on protein structure and function are either unavailable or do not agree on the potential impact of this missense change (SIFT: "Not Available"; PolyPhen-2: "Probably Damaging"; Align-GVGD: "Not Available"). In summary, the available evidence is currently insufficient to determine the role of this variant in disease. Therefore, it has been classified as a Variant of Uncertain Significance.

Ambry Genetics
Classification: Uncertain significance for Inborn genetic diseases. Last evaluated: 2021-01-05. Review status: criteria provided, single submitter. Criteria: Ambry Variant Classification Scheme 2023. Collection method: clinical testing. Allele origin: germline.
Comment: The c.506A>G (p.Y169C) alteration is located in exon 4 (coding exon 4) of the COX15 gene. This alteration results from a A to G substitution at nucleotide position 506, causing the tyrosine (Y) at amino acid position 169 to be replaced by a cysteine (C). The p.Y169C alteration is predicted to be deleterious by in silico analysis. Based on insufficient or conflicting evidence, the clinical significance of this alteration remains unclear.

NM_078470.6(COX15):c.506A>G (p.Tyr169Cys)

Gene: COX15 (cytochrome c oxidase assembly homolog COX15; minus strand). Cytogenetic location: 10q24.2.
Variant type: single nucleotide variant.
Coding change: c.506A>G on transcript NM_078470.6 (MANE Select); coding-DNA position 506, A replaced by G.
Protein change: p.Tyr169Cys; replaces tyrosine 169 with cysteine.
Molecular consequence: missense variant. On other transcripts: non-coding transcript variant (1), 5 prime UTR variant (1).
Genome position (GRCh38, 1-based): chr10:99,727,044, T>C on the plus strand (A>G on the coding strand, the complement: COX15 is on the minus strand). VCF-style: chr10-99727044-T-C. GRCh37 (hg19) VCF-style: chr10-101486801-T-C.
Other names: c.506A>G, p.Tyr169Cys (NM_001320974.2, NM_001320975.2, NM_001372024.1 and 5 more transcripts); c.-32A>G (NM_001320976.2); short protein forms Y169C.
Identifiers: ClinVar variation 1989389 (VCV001989389.2), dbSNP rs201881501, ClinGen allele CA5642252.
Genomic context (GRCh38, chr10:99,727,044, plus strand): 5'-CCACAGAGGGCAAGAACACGTCCTTTCATGCCACGGCTGAGCCAGCCCTTTCTCCAAAAG[T>C]AGGCAGCAGGCAGGATGTACACAAGGCCTACAAGGCGACCCCACATTCGGTGTGAGTACT-3'
Protein context (NP_510870.1, residues 159-179): VGLVYILPAA[Tyr169Cys]FWRKGWLSRG